The following is an entry in ClinVar:

NM_001267550.2(TTN):c.68082C>T (p.Cys22694=)

Genes: TTN (titin; minus strand), TTN-AS1 (TTN antisense RNA 1; plus strand), LOC126806423 (CDK7 strongly-dependent group 2 enhancer GRCh37_chr2:179443309-179444508; plus strand). Cytogenetic location: 2q31.2.
Variant type: single nucleotide variant.
Coding change: c.68082C>T on transcript NM_001267550.2 (MANE Select); coding-DNA position 68082, C replaced by T.
Protein change: p.Cys22694=; no amino-acid change (cysteine 22694 retained).
Molecular consequence: synonymous variant.
Genome position (GRCh38, 1-based): chr2:178,578,948, G>A on the plus strand (C>T on the coding strand, the complement: TTN is on the minus strand). VCF-style: chr2-178578948-G-A. GRCh37 (hg19) VCF-style: chr2-179443675-G-A.
Other names: c.40887C>T, p.Cys13629= (NM_003319.4); c.41262C>T, p.Cys13754= (NM_133432.3); c.41463C>T, p.Cys13821= (NM_133437.4); c.63159C>T, p.Cys21053= (NM_001256850.1); c.60378C>T, p.Cys20126= (NM_133378.4).
Identifiers: ClinVar variation 178197 (VCV000178197.68), dbSNP rs79406408, ClinGen allele CA181745.

ClinVar aggregate classification (germline): Conflicting classifications of pathogenicity. Review status: criteria provided, conflicting classifications (1 of 4 stars). 14 submissions from 10 submitters: Uncertain significance (4); Benign (4); Likely benign (6). Last evaluated 2026-01-28.

Conditions:
TTN-related disorder. Also called: TTN-related disorders; TTN-related condition; TTN-related disease.
Cardiovascular phenotype. Identifiers: MedGen CN230736.
Dilated cardiomyopathy 1G (CMD1G). Identifiers: Orphanet 154, MedGen C1858763, MONDO:0011400, OMIM 604145.
Autosomal recessive limb-girdle muscular dystrophy type 2J (LGMDR10). Also called: Limb-girdle muscular dystrophy, type 2J; MUSCULAR DYSTROPHY, LIMB-GIRDLE, AUTOSOMAL RECESSIVE 10. Identifiers: Orphanet 140922, MedGen C1837342, MONDO:0012127, OMIM 608807.
Cardiomyopathy (CMYO). Also called: Cardiomyopathies. Identifiers: Orphanet 167848, MedGen C0878544, MONDO:0004994, HP:0001638. Inheritance: Various modes of inheritance.
Early-onset myopathy with fatal cardiomyopathy (CMYO5). Also called: CONGENITAL MYOPATHY 5 WITH CARDIOMYOPATHY; Salih Myopathy. Identifiers: Orphanet 289377, MedGen C2673677, MONDO:0012714, OMIM 611705. Disease mechanism: loss of function.
Myopathy, myofibrillar, 9, with early respiratory failure (MFM9). Also called: Hereditary myopathy with early respiratory failure; MYOPATHY, PROXIMAL, WITH EARLY RESPIRATORY MUSCLE INVOLVEMENT; EDSTROM MYOPATHY; Myopathy, distal, with early respiratory failure, autosomal dominant. Identifiers: Orphanet 178464, Orphanet 34521, MedGen C1863599, MONDO:0011362, OMIM 603689.
Tibial muscular dystrophy (TMD). Also called: UDD MYOPATHY; Tibial muscular dystrophy, tardive; Udd Distal Myopathy – Tibial Muscular Dystrophy. Identifiers: Orphanet 609, MedGen C1838244, MONDO:0010870, OMIM 600334.

Allele frequency attached by ClinVar (database versions not stated): gnomAD exomes 0.00021 and 0.00033; ESP Exome Variant Server 0.00024; gnomAD 0.00024 and 0.00030; TOPMed 0.00026; ExAC 0.00027; 1000 Genomes Project 30x 0.00094; 1000 Genomes Project 0.00100.
gnomAD v4.1: 532 of 1,613,182 alleles (0.033%); highest among the groups gnomAD compares: East Asian, 0.43%; no homozygotes.

Submissions (14):

Labcorp Genetics (formerly Invitae), Labcorp
Classification: Benign for Dilated cardiomyopathy 1G; Autosomal recessive limb-girdle muscular dystrophy type 2J. Last evaluated: 2026-01-28. Review status: criteria provided, single submitter. Criteria: Invitae Variant Classification Sherloc (09022015). Collection method: clinical testing. Allele origin: germline.

PreventionGenetics, part of Exact Sciences
Classification: Likely benign for TTN-related condition. Last evaluated: 2025-06-13. Review status: criteria provided, single submitter. Criteria: ACMG Guidelines, 2015. Collection method: clinical testing. Allele origin: germline.
Comment: This variant is classified as likely benign based on ACMG/AMP sequence variant interpretation guidelines (Richards et al. 2015 PMID: 25741868, with internal and published modifications).

Blueprint Genetics
Classification: Likely benign. Last evaluated: 2024-11-13. Review status: criteria provided, single submitter. Criteria: ACMG Guidelines, 2015. Collection method: clinical testing. Allele origin: germline.

CHEO Genetics Diagnostic Laboratory, Children's Hospital of Eastern Ontario
Classification: Likely benign for Cardiomyopathy. Last evaluated: 2023-05-16. Review status: criteria provided, single submitter. Criteria: ACMG Guidelines, 2015. Collection method: clinical testing. Allele origin: germline.

Women's Health and Genetics/Laboratory Corporation of America, LabCorp
Classification: Likely benign. Last evaluated: 2021-10-09. Review status: criteria provided, single submitter. Criteria: LabCorp Variant Classification Summary - May 2015. Collection method: clinical testing. Allele origin: germline.

GeneDx
Classification: Likely benign. Last evaluated: 2021-03-31. Review status: criteria provided, single submitter. Criteria: GeneDx Variant Classification Process June 2021. Collection method: clinical testing. Allele origin: germline. Affected: yes.

Ambry Genetics
Classification: Benign for Cardiovascular phenotype. Last evaluated: 2020-06-25. Review status: criteria provided, single submitter. Criteria: Ambry Variant Classification Scheme 2023. Collection method: clinical testing. Allele origin: germline.

Illumina Laboratory Services, Illumina
Classification: Benign for Tibial muscular dystrophy. Last evaluated: 2018-01-13. Review status: criteria provided, single submitter. Criteria: ICSL Variant Classification Criteria 13 December 2019. Collection method: clinical testing. Allele origin: germline.
Comment: This variant was observed in the ICSL laboratory as part of a predisposition screen in an ostensibly healthy population. It had not been previously curated by ICSL or reported in the Human Gene Mutation Database (HGMD: prior to June 1st, 2018), and was therefore a candidate for classification through an automated scoring system. Utilizing variant allele frequency, disease prevalence and penetrance estimates, and inheritance mode, an automated score was calculated to assess if this variant is too frequent to cause the disease. Based on the score and internal cut-off values, a variant classified as benign is not then subjected to further curation. The score for this variant resulted in a classification of benign for this disease.

Illumina Laboratory Services, Illumina
Classification: Uncertain significance for Autosomal recessive limb-girdle muscular dystrophy type 2J. Last evaluated: 2018-01-13. Review status: criteria provided, single submitter. Criteria: ICSL Variant Classification Criteria 13 December 2019. Collection method: clinical testing. Allele origin: germline.

Illumina Laboratory Services, Illumina
Classification: Uncertain significance for Dilated cardiomyopathy 1G. Last evaluated: 2018-01-13. Review status: criteria provided, single submitter. Criteria: ICSL Variant Classification Criteria 13 December 2019. Collection method: clinical testing. Allele origin: germline.

Illumina Laboratory Services, Illumina
Classification: Benign for Myopathy, myofibrillar, 9, with early respiratory failure. Last evaluated: 2018-01-13. Review status: criteria provided, single submitter. Criteria: ICSL Variant Classification Criteria 13 December 2019. Collection method: clinical testing. Allele origin: germline.
Comment: the same text as in the submission from Illumina Laboratory Services, Illumina above.

Illumina Laboratory Services, Illumina
Classification: Uncertain significance for Early-onset myopathy with fatal cardiomyopathy. Last evaluated: 2018-01-13. Review status: criteria provided, single submitter. Criteria: ICSL Variant Classification Criteria 13 December 2019. Collection method: clinical testing. Allele origin: germline.

CeGaT Center for Human Genetics Tuebingen
Classification: Uncertain significance. Last evaluated: 2016-11-01. Review status: criteria provided, single submitter. Criteria: CeGaT Center For Human Genetics Tuebingen Variant Classification Criteria Version 2. Collection method: clinical testing. Allele origin: germline. Affected: yes. Observed: 1 variant allele.

Laboratory for Molecular Medicine, Mass General Brigham Personalized Medicine
Classification: Likely benign. Last evaluated: 2012-03-19. Review status: criteria provided, single submitter. Criteria: LMM Criteria. Collection method: clinical testing. Allele origin: germline. Observed: 2 variant alleles.
Comment: p.Cys20126Cys in exon 269 of TTN: This variant is not expected to have clinical significance because it does not alter an amino acid residue and is not located within the splice consensus sequence. It has been identified in 0.1% (3/3292) of African American chromosomes from a broad population by the NHLBI Exome Sequenc ing Project (dbSNP rs79406408).